The following is an entry in ClinVar:

ClinVar aggregate classification (germline): Uncertain significance. Review status: criteria provided, multiple submitters, no conflicts (2 of 4 stars). 2 submissions from 2 submitters: Uncertain significance (2). Last evaluated 2026-08-01.

Allele frequency attached by ClinVar (database versions not stated): gnomAD exomes 0.00001 and 0.00002; TOPMed 0.00002.
gnomAD v4.1: 23 of 1,614,070 alleles (0.0014%); highest among the groups gnomAD compares: African/African-American, 0.0053%; no homozygotes.

Submissions (2):

CeGaT Center for Human Genetics Tuebingen
Classification: Uncertain significance. Last evaluated: 2026-08-01. Review status: criteria provided, single submitter. Criteria: CeGaT Center For Human Genetics Tuebingen Variant Classification Criteria Version 2. Collection method: clinical testing. Allele origin: germline. Affected: yes. Observed: 1 variant allele.

Labcorp Genetics (formerly Invitae), Labcorp
Classification: Uncertain significance. Last evaluated: 2024-09-05. Review status: criteria provided, single submitter. Criteria: Invitae Variant Classification Sherloc (09022015). Collection method: clinical testing. Allele origin: germline.
Comment: This sequence change replaces valine, which is neutral and non-polar, with isoleucine, which is neutral and non-polar, at codon 146 of the RORB protein (p.Val146Ile). This variant is present in population databases (no rsID available, gnomAD 0.006%). This variant has not been reported in the literature in individuals affected with RORB-related conditions. ClinVar contains an entry for this variant (Variation ID: 1403301). An algorithm developed to predict the effect of missense changes on protein structure and function (PolyPhen-2) suggests that this variant is likely to be tolerated. In summary, the available evidence is currently insufficient to determine the role of this variant in disease. Therefore, it has been classified as a Variant of Uncertain Significance.

NM_006914.4(RORB):c.436G>A (p.Val146Ile)

Gene: RORB (RAR related orphan receptor B; plus strand). Cytogenetic location: 9q21.13.
Variant type: single nucleotide variant.
Coding change: c.436G>A on transcript NM_006914.4 (MANE Select); coding-DNA position 436, G replaced by A.
Protein change: p.Val146Ile; replaces valine 146 with isoleucine.
Molecular consequence: missense variant.
Genome position (GRCh38, 1-based): chr9:74,642,614, G>A. VCF-style: chr9-74642614-G-A. GRCh37 (hg19) VCF-style: chr9-77257530-G-A.
Other names: c.469G>A, p.Val157Ile (NM_001365023.1); short protein forms V146I, V157I.
Identifiers: ClinVar variation 1403301 (VCV001403301.9), dbSNP rs975708949, ClinGen allele CA193859267.